The following is an entry in ClinVar:

NM_001267550.2(TTN):c.99466C>A (p.His33156Asn)

Genes: TTN (titin; minus strand), TTN-AS1 (TTN antisense RNA 1; plus strand). Cytogenetic location: 2q31.2.
Variant type: single nucleotide variant.
Coding change: c.99466C>A on transcript NM_001267550.2 (MANE Select); coding-DNA position 99466, C replaced by A.
Protein change: p.His33156Asn; replaces histidine 33156 with asparagine.
Molecular consequence: missense variant.
Genome position (GRCh38, 1-based): chr2:178,537,741, G>T on the plus strand (C>A on the coding strand, the complement: TTN is on the minus strand). VCF-style: chr2-178537741-G-T. GRCh37 (hg19) VCF-style: chr2-179402468-G-T.
Other names: c.91762C>A, p.His30588Asn (NM_133378.4); c.94543C>A, p.His31515Asn (NM_001256850.1); c.72271C>A, p.His24091Asn (NM_003319.4); c.72646C>A, p.His24216Asn (NM_133432.3); c.72847C>A, p.His24283Asn (NM_133437.4); short protein forms H30588N, H33156N, H24283N, H31515N, H24091N, H24216N.
Identifiers: ClinVar variation 179834 (VCV000179834.5), dbSNP rs374666520, ClinGen allele CA185233.

ClinVar aggregate classification (germline): Uncertain significance (1 of 4 stars; one submission).

gnomAD v4.1: 1 of 1,613,772 alleles (0.000062%); no homozygotes.

Submission:

Laboratory for Molecular Medicine, Mass General Brigham Personalized Medicine
Classification: Uncertain significance. Last evaluated: 2014-06-17. Review status: criteria provided, single submitter. Criteria: LMM Criteria. Collection method: clinical testing. Allele origin: germline. Observed: 1 variant allele.
Comment: The His30588Asn variant in TTN has not been previously reported in individuals w ith cardiomyopathy or in large population studies. Computational prediction tool s and conservation analysis suggest that this variant may impact the protein, th ough this information is not predictive enough to determine pathogenicity. In su mmary, the clinical significance of the His30588Asn variant is uncertain.